The following is an entry in ClinVar:

NM_006206.6(PDGFRA):c.963C>T (p.Phe321=)

Gene: PDGFRA (platelet derived growth factor receptor alpha; plus strand). Cytogenetic location: 4q12.
Variant type: single nucleotide variant.
Coding change: c.963C>T on transcript NM_006206.6 (MANE Select); coding-DNA position 963, C replaced by T.
Protein change: p.Phe321=; no amino-acid change (phenylalanine 321 retained).
Molecular consequence: synonymous variant.
Genome position (GRCh38, 1-based): chr4:54,267,583, C>T. VCF-style: chr4-54267583-C-T. GRCh37 (hg19) VCF-style: chr4-55133750-C-T.
Other names: c.963C>T (NM_006206.4); c.963C>T, p.Phe321= (NM_001347827.2, NM_001347829.2); c.1038C>T, p.Phe346= (NM_001347828.2); c.1002C>T, p.Phe334= (NM_001347830.2).
Identifiers: ClinVar variation 1560067 (VCV001560067.8), dbSNP rs2110266515, ClinGen allele CA439286710.
Genomic context (GRCh38, chr4:54,267,583, plus strand): 5'-TTATTTAATGGAAACTCTTCCCTGTACAGAGAAAGGTTTCATTGAAATCAAACCCACCTT[C>T]AGCCAGTTGGAAGCTGTCAACCTGCATGAAGTCAAACATTTTGTTGTAGAGGTGCGGGCC-3'
Protein context (NP_006197.1, residues 311-331): EKGFIEIKPT[Phe321=]SQLEAVNLHE

ClinVar aggregate classification (germline): Conflicting classifications of pathogenicity. Review status: criteria provided, conflicting classifications (1 of 4 stars). 2 submissions from 2 submitters: Uncertain significance (1); Likely benign (1). Last evaluated 2025-09-30.

Conditions:
Hereditary cancer-predisposing syndrome. Also called: Tumor predisposition; Neoplastic Syndromes, Hereditary; Hereditary Cancer Syndrome; Hereditary neoplastic syndrome. Identifiers: Orphanet 140162, MedGen C0027672, MeSH D009386, MONDO:0015356.
Gastrointestinal stromal tumor. Also called: Gastrointestinal stromal tumor, somatic; Gastrointestinal stroma tumor. Identifiers: Orphanet 44890, MedGen C0238198, MeSH D046152, MONDO:0011719, OMIM 606764, HP:0100723.

Submissions (2):

Ambry Genetics
Classification: Uncertain significance for Hereditary cancer-predisposing syndrome. Last evaluated: 2025-09-30. Review status: criteria provided, single submitter. Criteria: Ambry Variant Classification Scheme 2023. Collection method: clinical testing. Allele origin: germline.
Comment: The c.963C>T variant (also known as p.F321F), located in coding exon 6 of the PDGFRA gene, results from a C to T substitution at nucleotide position 963. This nucleotide substitution does not change the at codon 321. However, this change occurs in the base pair of coding exon 6, which makes it likely to have some effect on normal mRNA splicing. This nucleotide position is not well conserved in available vertebrate species. In silico splice site analysis for this alteration is inconclusive. Based on the available evidence, the clinical significance of this variant remains unclear.

Labcorp Genetics (formerly Invitae), Labcorp
Classification: Likely benign for Gastrointestinal stromal tumor. Last evaluated: 2021-10-01. Review status: criteria provided, single submitter. Criteria: Invitae Variant Classification Sherloc (09022015). Collection method: clinical testing. Allele origin: germline.